The following is an entry in ClinVar:

ClinVar aggregate classification (germline): Uncertain significance. Review status: criteria provided, multiple submitters, no conflicts (2 of 4 stars). 2 submissions from 2 submitters: Uncertain significance (2). Last evaluated 2022-09-14.

Conditions:
Aicardi-Goutieres syndrome 5. Identifiers: Orphanet 51, MedGen C2749659, MONDO:0013059, OMIM 612952.

Allele frequency attached by ClinVar (database versions not stated): gnomAD exomes below 0.00001.
gnomAD v4.1: 3 of 1,612,978 alleles (0.00019%); highest among the groups gnomAD compares: African/African-American, 0.0013%; no homozygotes.

Submissions (2):

Blueprint Genetics
Classification: Uncertain significance. Last evaluated: 2022-09-14. Review status: criteria provided, single submitter. Criteria: ACMG Guidelines, 2015. Collection method: clinical testing. Allele origin: germline.

Labcorp Genetics (formerly Invitae), Labcorp
Classification: Uncertain significance for Aicardi-Goutieres syndrome 5. Last evaluated: 2021-05-18. Review status: criteria provided, single submitter. Criteria: Invitae Variant Classification Sherloc (09022015). Collection method: clinical testing. Allele origin: germline.
Comment: This variant is not present in population databases (ExAC no frequency). This variant has not been reported in the literature in individuals with SAMHD1-related conditions. Algorithms developed to predict the effect of missense changes on protein structure and function are either unavailable or do not agree on the potential impact of this missense change (SIFT: "Deleterious"; PolyPhen-2: "Benign"; Align-GVGD: "Class C0"). In summary, the available evidence is currently insufficient to determine the role of this variant in disease. Therefore, it has been classified as a Variant of Uncertain Significance. This sequence change replaces glycine with serine at codon 401 of the SAMHD1 protein (p.Gly401Ser). The glycine residue is highly conserved and there is a small physicochemical difference between glycine and serine.

NM_015474.4(SAMHD1):c.1201G>A (p.Gly401Ser)

Gene: SAMHD1 (SAM and HD domain containing deoxynucleoside triphosphate triphosphohydrolase 1; minus strand). Cytogenetic location: 20q11.23.
Variant type: single nucleotide variant.
Coding change: c.1201G>A on transcript NM_015474.4 (MANE Select); coding-DNA position 1201, G replaced by A.
Protein change: p.Gly401Ser; replaces glycine 401 with serine.
Molecular consequence: missense variant.
Genome position (GRCh38, 1-based): chr20:36,911,287, C>T on the plus strand (G>A on the coding strand, the complement: SAMHD1 is on the minus strand). VCF-style: chr20-36911287-C-T. GRCh37 (hg19) VCF-style: chr20-35539690-C-T.
Other names: c.1201G>A, p.Gly401Ser (NM_001363729.2, NM_001363733.2); short protein forms G401S.
Identifiers: ClinVar variation 1379718 (VCV001379718.9), dbSNP rs2063438570, ClinGen allele CA408843535.